The following is an entry in ClinVar:

NM_002470.4(MYH3):c.637A>G (p.Met213Val)

Gene: MYH3 (myosin heavy chain 3; minus strand). Cytogenetic location: 17p13.1.
Variant type: single nucleotide variant.
Coding change: c.637A>G on transcript NM_002470.4 (MANE Select); coding-DNA position 637, A replaced by G.
Protein change: p.Met213Val; replaces methionine 213 with valine.
Molecular consequence: missense variant.
Genome position (GRCh38, 1-based): chr17:10,649,582, T>C on the plus strand (A>G on the coding strand, the complement: MYH3 is on the minus strand). VCF-style: chr17-10649582-T-C. GRCh37 (hg19) VCF-style: chr17-10552899-T-C.
Other names: c.637A>G (NM_002470.3); short protein forms M213V.
Identifiers: ClinVar variation 1375059 (VCV001375059.7), dbSNP rs1438039119, ClinGen allele CA398110456.

ClinVar aggregate classification (germline): Uncertain significance. Review status: criteria provided, multiple submitters, no conflicts (2 of 4 stars). 2 submissions from 2 submitters: Uncertain significance (2). Last evaluated 2023-12-17.

Conditions:
Inborn genetic diseases. Identifiers: MedGen C0950123, MeSH D030342.

Allele frequency attached by ClinVar (database versions not stated): gnomAD exomes below 0.00001; TOPMed below 0.00001.
gnomAD v4.1: 1 of 1,613,008 alleles (0.000062%); highest among the groups gnomAD compares: East Asian, 0.0022%; no homozygotes.

Submissions (2):

Ambry Genetics
Classification: Uncertain significance for Inborn genetic diseases. Last evaluated: 2023-12-17. Review status: criteria provided, single submitter. Criteria: Ambry Variant Classification Scheme 2023. Collection method: clinical testing. Allele origin: germline.

Labcorp Genetics (formerly Invitae), Labcorp
Classification: Uncertain significance. Last evaluated: 2023-07-10. Review status: criteria provided, single submitter. Criteria: Invitae Variant Classification Sherloc (09022015). Collection method: clinical testing. Allele origin: germline.
Comment: ClinVar contains an entry for this variant (Variation ID: 1375059). This variant has not been reported in the literature in individuals affected with MYH3-related conditions. This variant is present in population databases (no rsID available, gnomAD 0.006%). This sequence change replaces methionine, which is neutral and non-polar, with valine, which is neutral and non-polar, at codon 213 of the MYH3 protein (p.Met213Val). In summary, the available evidence is currently insufficient to determine the role of this variant in disease. Therefore, it has been classified as a Variant of Uncertain Significance. Advanced modeling of protein sequence and biophysical properties (such as structural, functional, and spatial information, amino acid conservation, physicochemical variation, residue mobility, and thermodynamic stability) performed at Invitae indicates that this missense variant is not expected to disrupt MYH3 protein function.